The following is an entry in ClinVar:

NM_014915.3(ANKRD26):c.3817G>A (p.Ala1273Thr)

Gene: ANKRD26 (ankyrin repeat domain containing 26; minus strand). Cytogenetic location: 10p12.1.
Variant type: single nucleotide variant.
Coding change: c.3817G>A on transcript NM_014915.3 (MANE Select); coding-DNA position 3817, G replaced by A.
Protein change: p.Ala1273Thr; replaces alanine 1273 with threonine.
Molecular consequence: missense variant.
Genome position (GRCh38, 1-based): chr10:27,029,347, C>T on the plus strand (G>A on the coding strand, the complement: ANKRD26 is on the minus strand). VCF-style: chr10-27029347-C-T. GRCh37 (hg19) VCF-style: chr10-27318276-C-T.
Other names: c.3814G>A, p.Ala1272Thr (NM_001256053.2); short protein forms A1273T, A1272T.
Identifiers: ClinVar variation 3871146 (VCV003871146.1).
Genomic context (GRCh38, chr10:27,029,347, plus strand): 5'-TTTGCTTGTGATCTTGCATCTTCTCAGCACATCTGACAGCTTCTGTATGTCGATCCTGTG[C>T]TTCTTGCAACTAAAACAAAGAATAAAAAAAACCCACTTTACTAATAATCTAGTACACATC-3'
Protein context (NP_055730.2, residues 1263-1283): LGQIRNQLQE[Ala1273Thr]QDRHTEAVRC

ClinVar aggregate classification (germline): Uncertain significance (1 of 4 stars; one submission).

Conditions:
Inborn genetic diseases. Identifiers: MedGen C0950123, MeSH D030342.

gnomAD v4.1: 5 of 1,611,880 alleles (0.00031%); highest among the groups gnomAD compares: African/African-American, 0.0013%; no homozygotes.

Submission:

Ambry Genetics
Classification: Uncertain significance for Inborn genetic diseases. Last evaluated: 2025-02-09. Review status: criteria provided, single submitter. Criteria: Ambry Variant Classification Scheme 2023. Collection method: clinical testing. Allele origin: germline.
Comment: The p.A1273T variant (also known as c.3817G>A), located in coding exon 26 of the ANKRD26 gene, results from a G to A substitution at nucleotide position 3817. The alanine at codon 1273 is replaced by threonine, an amino acid with similar properties. This amino acid position is conserved. In addition, this alteration is predicted to be tolerated by in silico analysis. Based on the available evidence, the clinical significance of this variant remains unclear.